The following is an entry in ClinVar:

ClinVar aggregate classification (germline): Uncertain significance (1 of 4 stars; one submission).

Conditions:
Ataxia-telangiectasia syndrome (AT). Also called: Ataxia-telangiectasia, complementation group E; Cerebello-oculocutaneous telangiectasia; Immunodeficiency with ataxia telangiectasia; ATAXIA-TELANGIECTASIA, COMPLEMENTATION GROUP A; ATAXIA-TELANGIECTASIA, FRESNO VARIANT; Ataxia-telangiectasia, complementation group D. Identifiers: Orphanet 100, MedGen C0004135, MONDO:0008840, OMIM 208900.

Submission:

Labcorp Genetics (formerly Invitae), Labcorp
Classification: Uncertain significance for Ataxia-telangiectasia syndrome. Last evaluated: 2021-07-07. Review status: criteria provided, single submitter. Criteria: Invitae Variant Classification Sherloc (09022015). Collection method: clinical testing. Allele origin: germline.
Comment: In summary, the available evidence is currently insufficient to determine the role of this variant in disease. Therefore, it has been classified as a Variant of Uncertain Significance. Experimental studies and prediction algorithms are not available or were not evaluated, and the functional significance of this variant is currently unknown. This variant has not been reported in the literature in individuals affected with ATM-related conditions. This variant results in a copy number gain of the genomic region encompassing exon(s) 57-63 of the ATM gene. The 5' boundary is likely confined to intron 56. The 3' end of this event is unknown as it extends beyond the assayed region for this gene and therefore may encompass additional genes. As the precise location of this event is unknown, it may be in tandem or it may be located elsewhere in the genome.

NC_000011.9:g.(?_108213939)_(108236235_?)dup

Gene: ATM (ATM serine/threonine kinase; plus strand). Cytogenetic location: 11q22.3.
Variant type: Duplication.
Identifiers: ClinVar variation 1523624 (VCV001523624.4).